The following is an entry in ClinVar:

NM_207346.3(TSEN54):c.20C>T (p.Pro7Leu)

Genes: TSEN54 (tRNA splicing endonuclease subunit 54; plus strand), LOC112533671 (Sharpr-MPRA regulatory region 12010; plus strand). Cytogenetic location: 17q25.1.
Variant type: single nucleotide variant.
Coding change: c.20C>T on transcript NM_207346.3 (MANE Select); coding-DNA position 20, C replaced by T.
Protein change: p.Pro7Leu; replaces proline 7 with leucine.
Molecular consequence: missense variant.
Genome position (GRCh38, 1-based): chr17:75,516,580, C>T. VCF-style: chr17-75516580-C-T. GRCh37 (hg19) VCF-style: chr17-73512661-C-T.
Other names: short protein forms P7L.
Identifiers: ClinVar variation 1508667 (VCV001508667.6), dbSNP rs2053368379, ClinGen allele CA401026826.
Genomic context (GRCh38, chr17:75,516,580, plus strand): 5'-GGCGGGGCGTGGCGGCGCGCGCAGCGGCAGGCGGCGGCGGGATGGAGCCCGAGCCCGAGC[C>T]CGCGGCCGTGGAGGTTCCCGCGGGGCGCGTGCTCAGGTGCGGCGCGGCCCGGCCGGAGTG-3'
Protein context (NP_997229.2, residues 1-17): MEPEPE[Pro7Leu]AAVEVPAGRV

ClinVar aggregate classification (germline): Uncertain significance (1 of 4 stars; one submission).

Allele frequency attached by ClinVar (database versions not stated): gnomAD exomes below 0.00001.

Submission:

Labcorp Genetics (formerly Invitae), Labcorp
Classification: Uncertain significance. Last evaluated: 2021-12-02. Review status: criteria provided, single submitter. Criteria: Invitae Variant Classification Sherloc (09022015). Collection method: clinical testing. Allele origin: germline.
Comment: In summary, the available evidence is currently insufficient to determine the role of this variant in disease. Therefore, it has been classified as a Variant of Uncertain Significance. Algorithms developed to predict the effect of missense changes on protein structure and function output the following: SIFT: "Deleterious"; PolyPhen-2: "Not Available"; Align-GVGD: "Class C0". The leucine amino acid residue is found in multiple mammalian species, which suggests that this missense change does not adversely affect protein function. This variant has not been reported in the literature in individuals affected with TSEN54-related conditions. This variant is not present in population databases (gnomAD no frequency). This sequence change replaces proline, which is neutral and non-polar, with leucine, which is neutral and non-polar, at codon 7 of the TSEN54 protein (p.Pro7Leu).